The following is an entry in ClinVar:

ClinVar aggregate classification (germline): Uncertain significance (1 of 4 stars; one submission).

Conditions:
Neutral lipid storage myopathy (NLSDM). Also called: NEUTRAL LIPID STORAGE DISEASE WITHOUT ICHTHYOSIS. Identifiers: Orphanet 98908, MedGen C1853136, MONDO:0012545, OMIM 610717.

Submission:

Labcorp Genetics (formerly Invitae), Labcorp
Classification: Uncertain significance for Neutral lipid storage myopathy. Last evaluated: 2019-08-01. Review status: criteria provided, single submitter. Criteria: Invitae Variant Classification Sherloc (09022015). Collection method: clinical testing. Allele origin: germline.
Comment: This sequence change replaces leucine with proline at codon 118 of the PNPLA2 protein (p.Leu118Pro). The leucine residue is highly conserved and there is a moderate physicochemical difference between leucine and proline. This variant is not present in population databases (ExAC no frequency). This variant has not been reported in the literature in individuals with PNPLA2-related conditions. Algorithms developed to predict the effect of missense changes on protein structure and function (SIFT, PolyPhen-2, Align-GVGD) all suggest that this variant is likely to be disruptive, but these predictions have not been confirmed by published functional studies and their clinical significance is uncertain. In summary, the available evidence is currently insufficient to determine the role of this variant in disease. Therefore, it has been classified as a Variant of Uncertain Significance.

NM_020376.4(PNPLA2):c.353T>C (p.Leu118Pro)

Gene: PNPLA2 (patatin like domain 2, triacylglycerol lipase; plus strand). Cytogenetic location: 11p15.5.
Variant type: single nucleotide variant.
Coding change: c.353T>C on transcript NM_020376.4 (MANE Select); coding-DNA position 353, T replaced by C.
Protein change: p.Leu118Pro; replaces leucine 118 with proline.
Molecular consequence: missense variant.
Genome position (GRCh38, 1-based): chr11:821,793, T>C. VCF-style: chr11-821793-T-C. GRCh37 (hg19) VCF-style: chr11-821793-T-C.
Other names: short protein forms L118P.
Identifiers: ClinVar variation 936528 (VCV000936528.1), dbSNP rs1845671822, ClinGen allele CA378978387.